The following is an entry in ClinVar:

ClinVar aggregate classification (germline): Likely benign (1 of 4 stars; one submission).

Submission:

CeGaT Center for Human Genetics Tuebingen
Classification: Likely benign. Last evaluated: 2025-12-01. Review status: criteria provided, single submitter. Criteria: CeGaT Center For Human Genetics Tuebingen Variant Classification Criteria Version 2. Collection method: clinical testing. Allele origin: germline. Affected: yes. Observed: 1 variant allele.
Comment: PINK1: PM2:Supporting, BP4, BP7

NM_032409.3(PINK1):c.1710A>T (p.Ala570=)

Genes: PINK1 (PTEN induced kinase 1; plus strand), PINK1-AS (PINK1 antisense RNA; minus strand). Cytogenetic location: 1p36.12.
Variant type: single nucleotide variant.
Coding change: c.1710A>T on transcript NM_032409.3 (MANE Select); coding-DNA position 1710, A replaced by T.
Protein change: p.Ala570=; no amino-acid change (alanine 570 retained).
Molecular consequence: synonymous variant. On other transcripts: non-coding transcript variant (1).
Genome position (GRCh38, 1-based): chr1:20,650,655, A>T. VCF-style: chr1-20650655-A-T. GRCh37 (hg19) VCF-style: chr1-20977148-A-T.
Identifiers: ClinVar variation 4681544 (VCV004681544.5).